The following is an entry in ClinVar:

ClinVar aggregate classification (germline): Uncertain significance (1 of 4 stars; one submission).

Allele frequency attached by ClinVar (database versions not stated): gnomAD exomes below 0.00001; ExAC 0.00001.
gnomAD v4.1: 4 of 1,613,894 alleles (0.00025%); highest among the groups gnomAD compares: South Asian, 0.0044%; no homozygotes.

Submission:

Labcorp Genetics (formerly Invitae), Labcorp
Classification: Uncertain significance. Last evaluated: 2022-09-27. Review status: criteria provided, single submitter. Criteria: Invitae Variant Classification Sherloc (09022015). Collection method: clinical testing. Allele origin: germline.
Comment: In summary, the available evidence is currently insufficient to determine the role of this variant in disease. Therefore, it has been classified as a Variant of Uncertain Significance. Algorithms developed to predict the effect of sequence changes on RNA splicing suggest that this variant may disrupt the consensus splice site. Algorithms developed to predict the effect of missense changes on protein structure and function are either unavailable or do not agree on the potential impact of this missense change (SIFT: "Deleterious"; PolyPhen-2: "Probably Damaging"; Align-GVGD: "Class C15"). This variant has not been reported in the literature in individuals affected with CACNA2D4-related conditions. This variant is present in population databases (rs765856864, gnomAD 0.006%). This sequence change replaces aspartic acid, which is acidic and polar, with tyrosine, which is neutral and polar, at codon 590 of the CACNA2D4 protein (p.Asp590Tyr).

NM_172364.5(CACNA2D4):c.1768G>T (p.Asp590Tyr)

Gene: CACNA2D4 (calcium voltage-gated channel auxiliary subunit alpha2delta 4; minus strand). Cytogenetic location: 12p13.33.
Variant type: single nucleotide variant.
Coding change: c.1768G>T on transcript NM_172364.5 (MANE Select); coding-DNA position 1768, G replaced by T.
Protein change: p.Asp590Tyr; replaces aspartic acid 590 with tyrosine.
Molecular consequence: missense variant.
Genome position (GRCh38, 1-based): chr12:1,875,289, C>A on the plus strand (G>T on the coding strand, the complement: CACNA2D4 is on the minus strand). VCF-style: chr12-1875289-C-A. GRCh37 (hg19) VCF-style: chr12-1984455-C-A.
Other names: short protein forms D590Y.
Identifiers: ClinVar variation 2109252 (VCV002109252.4), dbSNP rs765856864, ClinGen allele CA6386997.